The following is an entry in ClinVar:

ClinVar aggregate classification (germline): Pathogenic/Likely pathogenic. Review status: criteria provided, multiple submitters, no conflicts (2 of 4 stars). 2 submissions from 2 submitters: Pathogenic (1); Likely pathogenic (1). Last evaluated 2025-03-27.

Conditions:
Iodotyrosine deiodination defect (TDH4). Also called: DEIODINASE DEFICIENCY; HYPOTHYROIDISM, CONGENITAL, DUE TO DYSHORMONOGENESIS, 4; IODOTYROSINE DEHALOGENASE DEFICIENCY; THYROID HORMONOGENESIS, GENETIC DEFECT IN, 4; Thyroid dyshormonogenesis 4. Identifiers: Orphanet 95716, MedGen C0342195, MONDO:0010136, OMIM 274800.

Allele frequency attached by ClinVar (database versions not stated): gnomAD exomes 0.00001; TOPMed 0.00001.
gnomAD v4.1: 17 of 1,614,036 alleles (0.0011%); highest among the groups gnomAD compares: Middle Eastern, 0.082%; no homozygotes.

Submissions (2):

First Genomix Gene Laboratory, Genetic Diagnostics Department
Classification: Likely pathogenic for Iodotyrosine deiodination defect. Last evaluated: 2025-03-27. Review status: criteria provided, single submitter. Criteria: ACMG Guidelines, 2015. Collection method: clinical testing. Allele origin: germline. Inheritance: Autosomal recessive inheritance. Affected: no. Observed: 1 variant allele.

Women's Health and Genetics/Laboratory Corporation of America, LabCorp
Classification: Pathogenic for Iodotyrosine deiodination defect. Last evaluated: 2023-07-19. Review status: criteria provided, single submitter. Criteria: LabCorp Variant Classification Summary - May 2015. Collection method: clinical testing. Allele origin: germline.
Comment: Variant summary: IYD c.835C>T (p.Arg279Cys) results in a non-conservative amino acid change in the encoded protein sequence. Five of five in-silico tools predict a damaging effect of the variant on protein function. The variant allele was found at a frequency of 1.2e-05 in 251444 control chromosomes. c.835C>T has been reported in the literature segregating with disease in multiple homozygous individuals affected with congenital hypothyroidism from at least two families (e.g., Shareef_2023). These data indicate that the variant is very likely to be associated with disease. To our knowledge, no experimental evidence demonstrating an impact on protein function has been reported. The following publication has been ascertained in the context of this evaluation (PMID: 36633921). No submitters have cited clinical-significance assessments for this variant to ClinVar after 2014. Based on the evidence outlined above, the variant was classified as pathogenic.

Literature cited by the submitters: PubMed 36633921 (cited by Women's Health and Genetics/Laboratory Corporation of America, LabCorp).

NM_203395.3(IYD):c.835C>T (p.Arg279Cys)

Gene: IYD (iodotyrosine deiodinase; plus strand). Cytogenetic location: 6q25.1.
Variant type: single nucleotide variant.
Coding change: c.835C>T on transcript NM_203395.3 (MANE Select); coding-DNA position 835, C replaced by T.
Protein change: p.Arg279Cys; replaces arginine 279 with cysteine.
Molecular consequence: missense variant. On other transcripts: 3 prime UTR variant (2), non-coding transcript variant (1).
Genome position (GRCh38, 1-based): chr6:150,398,202, C>T. VCF-style: chr6-150398202-C-T. GRCh37 (hg19) VCF-style: chr6-150719338-C-T.
Other names: c.*65C>T (NM_001164694.2); c.*152C>T (NM_001164695.2); c.589C>T, p.Arg197Cys (NM_001318495.2); short protein forms R197C, R279C.
Identifiers: ClinVar variation 2577213 (VCV002577213.2), dbSNP rs1052959039, ClinGen allele CA150045382.